The following is an entry in ClinVar:

ClinVar aggregate classification (germline): Uncertain significance (1 of 4 stars; one submission).

Allele frequency attached by ClinVar (database versions not stated): TOPMed 0.00001.

Submission:

GeneDx
Classification: Uncertain significance. Last evaluated: 2022-06-13. Review status: criteria provided, single submitter. Criteria: GeneDx Variant Classification Process June 2021. Collection method: clinical testing. Allele origin: germline. Affected: yes.
Comment: Not observed at significant frequency in large population cohorts (gnomAD); In silico analysis supports that this missense variant does not alter protein structure/function; Has not been previously published as pathogenic or benign to our knowledge

NM_007118.4(TRIO):c.6652A>G (p.Ile2218Val)

Gene: TRIO (trio Rho guanine nucleotide exchange factor; plus strand). Cytogenetic location: 5p15.2.
Variant type: single nucleotide variant.
Coding change: c.6652A>G on transcript NM_007118.4 (MANE Select); coding-DNA position 6652, A replaced by G.
Protein change: p.Ile2218Val; replaces isoleucine 2218 with valine.
Molecular consequence: missense variant. On other transcripts: non-coding transcript variant (1).
Genome position (GRCh38, 1-based): chr5:14,482,768, A>G. VCF-style: chr5-14482768-A-G. GRCh37 (hg19) VCF-style: chr5-14482877-A-G.
Other names: short protein forms I2218V.
Identifiers: ClinVar variation 1691592 (VCV001691592.3), dbSNP rs1755624786, ClinGen allele CA359235823.